The following is an entry in ClinVar:

ClinVar aggregate classification (germline): Uncertain significance (1 of 4 stars; one submission).

Allele frequency attached by ClinVar (database versions not stated): TOPMed 0.00002; gnomAD 0.00003.

Submission:

CeGaT Center for Human Genetics Tuebingen
Classification: Uncertain significance. Last evaluated: 2022-09-01. Review status: criteria provided, single submitter. Criteria: CeGaT Center For Human Genetics Tuebingen Variant Classification Criteria Version 2. Collection method: clinical testing. Allele origin: germline. Affected: yes. Observed: 1 variant allele.
Comment: THOC2: PM2, PP2

NM_001081550.2(THOC2):c.1595A>G (p.Tyr532Cys)

Gene: THOC2 (THO complex subunit 2; minus strand). Cytogenetic location: Xq25.
Variant type: single nucleotide variant.
Coding change: c.1595A>G on transcript NM_001081550.2 (MANE Select); coding-DNA position 1595, A replaced by G.
Protein change: p.Tyr532Cys; replaces tyrosine 532 with cysteine.
Molecular consequence: missense variant.
Genome position (GRCh38, 1-based): chrX:123,644,641, T>C on the plus strand (A>G on the coding strand, the complement: THOC2 is on the minus strand). VCF-style: chrX-123644641-T-C. GRCh37 (hg19) VCF-style: chrX-122778492-T-C.
Other names: short protein forms Y532C.
Identifiers: ClinVar variation 1711717 (VCV001711717.30), dbSNP rs1016939985, ClinGen allele CA335256547.